The following is an entry in ClinVar:

NM_001278.5(CHUK):c.1341A>G (p.Gly447=)

Gene: CHUK (component of inhibitor of nuclear factor kappa B kinase complex; minus strand). Cytogenetic location: 10q24.31.
Variant type: single nucleotide variant.
Coding change: c.1341A>G on transcript NM_001278.5 (MANE Select); coding-DNA position 1341, A replaced by G.
Protein change: p.Gly447=; no amino-acid change (glycine 447 retained).
Molecular consequence: synonymous variant.
Genome position (GRCh38, 1-based): chr10:100,205,090, T>C on the plus strand (A>G on the coding strand, the complement: CHUK is on the minus strand). VCF-style: chr10-100205090-T-C. GRCh37 (hg19) VCF-style: chr10-101964847-T-C.
Other names: c.1341A>G, p.Gly447= (NM_001320928.2).
Identifiers: ClinVar variation 770396 (VCV000770396.40), dbSNP rs34458357, ClinGen allele CA5646478.
Genomic context (GRCh38, chr10:100,205,090, plus strand): 5'-TATGATGCACATTGCATTGTGCTTATAAACAACAGAATCCACTTACATTGCTGCCCTTTG[T>C]CCCTGAAAGAGCCTGCTATAGTCTTCTTTTAGTCCAGACACATAGTGCACTGCTTCAGCC-3'
Protein context (NP_001269.3, residues 437-457): LKEDYSRLFQ[Gly447=]QRAAMLSLLR

ClinVar aggregate classification (germline): Benign/Likely benign. Review status: criteria provided, multiple submitters, no conflicts (2 of 4 stars). 3 submissions from 3 submitters: Benign (1); Likely benign (2). Last evaluated 2026-01-27.

Allele frequency attached by ClinVar (database versions not stated): 1000 Genomes Project 0.00140; 1000 Genomes Project 30x 0.00156; gnomAD exomes 0.00290 and 0.00413; ExAC 0.00291; gnomAD 0.00298 and 0.00369; TOPMed 0.00356; ESP Exome Variant Server 0.00384.
gnomAD v4.1: 6,576 of 1,614,132 alleles (0.41%); highest among the groups gnomAD compares: Non-Finnish European, 0.48%; 24 homozygotes.

Submissions (3):

Labcorp Genetics (formerly Invitae), Labcorp
Classification: Benign. Last evaluated: 2026-01-27. Review status: criteria provided, single submitter. Criteria: Invitae Variant Classification Sherloc (09022015). Collection method: clinical testing. Allele origin: germline.

Blueprint Genetics
Classification: Likely benign. Last evaluated: 2024-11-27. Review status: criteria provided, single submitter. Criteria: ACMG Guidelines, 2015. Collection method: clinical testing. Allele origin: germline.

CeGaT Center for Human Genetics Tuebingen
Classification: Likely benign. Last evaluated: 2022-08-01. Review status: criteria provided, single submitter. Criteria: CeGaT Center For Human Genetics Tuebingen Variant Classification Criteria Version 2. Collection method: clinical testing. Allele origin: germline. Affected: yes. Observed: 1 variant allele.
Comment: CHUK: BP4, BP7